The following is an entry in ClinVar:

NM_001080517.3(SETD5):c.2961C>G (p.Tyr987Ter)

Gene: SETD5 (SET domain containing 5; plus strand). Cytogenetic location: 3p25.3.
Variant type: single nucleotide variant.
Coding change: c.2961C>G on transcript NM_001080517.3 (MANE Select); coding-DNA position 2961, C replaced by G.
Protein change: p.Tyr987Ter; replaces tyrosine 987 with a stop codon.
Molecular consequence: nonsense.
Genome position (GRCh38, 1-based): chr3:9,470,695, C>G. VCF-style: chr3-9470695-C-G. GRCh37 (hg19) VCF-style: chr3-9512379-C-G.
Other names: c.2667C>G, p.Tyr889Ter (NM_001292043.2, NM_001349451.2); c.3057C>G, p.Tyr1019Ter (NM_001437633.1); c.3075C>G, p.Tyr1025Ter (NM_001437635.1); c.3018C>G, p.Tyr1006Ter (NM_001437643.1); c.3000C>G, p.Tyr1000Ter (NM_001437701.1); short protein forms Y1000*, Y1006*, Y1019*, Y1025*, Y889*, Y987*.
Identifiers: ClinVar variation 4885624 (VCV004885624.2).

ClinVar aggregate classification (germline): Likely pathogenic (1 of 4 stars; one submission).

Submission:

Dasa
Classification: Likely pathogenic. Last evaluated: 2024-12-26. Review status: criteria provided, single submitter. Criteria: DASA Assertion Criteria. Collection method: clinical testing. Allele origin: germline.
Comment: NM_001080517.3(SETD5):c.2961C>G (p.Tyr987*) is a nonsense variant in SETD5 predicted to introduce a premature termination codon and is predicted to result in an absent or altered protein product. Loss of function is an established disease mechanism for SETD5 (PMID: 25138099; PMID: 24680889). Also, this variant is absent from population databases. Based on the currently available evidence, this variant is classified as likely pathogenic.

Literature cited by the submitters: PubMed 25138099; PubMed 24680889.